The following is an entry in ClinVar:

NM_013975.4(LIG3):c.67C>T (p.Leu23=)

Gene: LIG3 (DNA ligase 3; plus strand). Cytogenetic location: 17q12.
Variant type: single nucleotide variant.
Coding change: c.67C>T on transcript NM_013975.4 (MANE Select); coding-DNA position 67, C replaced by T.
Protein change: p.Leu23=; no amino-acid change (leucine 23 retained).
Molecular consequence: synonymous variant.
Genome position (GRCh38, 1-based): chr17:34,983,072, C>T. VCF-style: chr17-34983072-C-T. GRCh37 (hg19) VCF-style: chr17-33310091-C-T.
Other names: c.67C>T, p.Leu23= (NM_002311.5).
Identifiers: ClinVar variation 496422 (VCV000496422.1), dbSNP rs144307769, ClinGen allele CA8498009.

ClinVar aggregate classification (germline): Benign (1 of 4 stars; one submission).

Allele frequency attached by ClinVar (database versions not stated): gnomAD 0.00103 and 0.00111; 1000 Genomes Project 30x 0.00109; 1000 Genomes Project 0.00120; TOPMed 0.00125; ESP Exome Variant Server 0.00161.
gnomAD v4.1: 309 of 1,613,668 alleles (0.019%); highest among the groups gnomAD compares: African/African-American, 0.38%; no homozygotes.

Submission:

Women's Health and Genetics/Laboratory Corporation of America, LabCorp
Classification: Benign. Last evaluated: 2017-08-10. Review status: criteria provided, single submitter. Criteria: LabCorp Variant Classification Summary - May 2015. Collection method: clinical testing. Allele origin: germline.
Comment: Variant summary: The LIG3 c.67C>T (p.Leu23Leu) variant involves the alteration of a non-conserved nucleotide, resulting in a synonymous change. One in silico tool predicts a benign outcome for this variant. 5/5 splice prediction tools predict no significant impact on normal splicing. However, these predictions have yet to be confirmed by functional studies. This variant was found in the large control database ExAC in 45/120194 control chromosomes, predominantly observed in the African subpopulation at a frequency of 0.004169 (43/10314). This frequency is about 417 times the estimated maximal expected allele frequency of a pathogenic LIG3 variant (0.00001), suggesting this is likely a benign polymorphism found primarily in the populations of African origin. The variant of interest has not, to our knowledge, been reported in affected individuals via publications and/or clinical diagnostic laboratories; nor evaluated for functional impact by in vivo/vitro studies. Taken together, this variant is classified as benign.